The following is an entry in ClinVar:

ClinVar aggregate classification (germline): Uncertain significance. Review status: criteria provided, multiple submitters, no conflicts (2 of 4 stars). 2 submissions from 2 submitters: Uncertain significance (2). Last evaluated 2024-02-24.

Allele frequency attached by ClinVar (database versions not stated): TOPMed below 0.00001; gnomAD 0.00001; gnomAD exomes 0.00001.
gnomAD v4.1: 11 of 1,613,178 alleles (0.00068%); highest among the groups gnomAD compares: Admixed American, 0.0017%; no homozygotes.

Submissions (2):

Labcorp Genetics (formerly Invitae), Labcorp
Classification: Uncertain significance. Last evaluated: 2024-02-24. Review status: criteria provided, single submitter. Criteria: Invitae Variant Classification Sherloc (09022015). Collection method: clinical testing. Allele origin: germline.
Comment: This sequence change replaces methionine, which is neutral and non-polar, with leucine, which is neutral and non-polar, at codon 686 of the SLITRK6 protein (p.Met686Leu). This variant is not present in population databases (gnomAD no frequency). This variant has not been reported in the literature in individuals affected with SLITRK6-related conditions. ClinVar contains an entry for this variant (Variation ID: 1396045). An algorithm developed to predict the effect of missense changes on protein structure and function (PolyPhen-2) suggests that this variant is likely to be tolerated. In summary, the available evidence is currently insufficient to determine the role of this variant in disease. Therefore, it has been classified as a Variant of Uncertain Significance.

Blueprint Genetics
Classification: Uncertain significance. Last evaluated: 2020-04-20. Review status: criteria provided, single submitter. Criteria: ACMG Guidelines, 2015. Collection method: clinical testing. Allele origin: germline.

NM_032229.3(SLITRK6):c.2056A>T (p.Met686Leu)

Gene: SLITRK6 (SLIT and NTRK like family member 6; minus strand). Cytogenetic location: 13q31.1.
Variant type: single nucleotide variant.
Coding change: c.2056A>T on transcript NM_032229.3 (MANE Select); coding-DNA position 2056, A replaced by T.
Protein change: p.Met686Leu; replaces methionine 686 with leucine.
Molecular consequence: missense variant.
Genome position (GRCh38, 1-based): chr13:85,794,453, T>A on the plus strand (A>T on the coding strand, the complement: SLITRK6 is on the minus strand). VCF-style: chr13-85794453-T-A. GRCh37 (hg19) VCF-style: chr13-86368588-T-A.
Other names: short protein forms M686L.
Identifiers: ClinVar variation 1396045 (VCV001396045.6), dbSNP rs1191788783, ClinGen allele CA388373047.